The following is an entry in ClinVar:

NM_177438.3(DICER1):c.2754A>G (p.Thr918=)

Gene: DICER1 (dicer 1, ribonuclease III; minus strand). Cytogenetic location: 14q32.13.
Variant type: single nucleotide variant.
Coding change: c.2754A>G on transcript NM_177438.3 (MANE Select); coding-DNA position 2754, A replaced by G.
Protein change: p.Thr918=; no amino-acid change (threonine 918 retained).
Molecular consequence: synonymous variant.
Genome position (GRCh38, 1-based): chr14:95,107,658, T>C on the plus strand (A>G on the coding strand, the complement: DICER1 is on the minus strand). VCF-style: chr14-95107658-T-C. GRCh37 (hg19) VCF-style: chr14-95573995-T-C.
Other names: c.2754A>G, p.Thr918= (NM_001195573.1, NM_001271282.3, NM_001291628.2 and 1 more transcripts).
Identifiers: ClinVar variation 757653 (VCV000757653.18), dbSNP rs1595378905, ClinGen allele CA487628297.

ClinVar aggregate classification (germline): Likely benign. Review status: criteria provided, multiple submitters, no conflicts (2 of 4 stars). 3 submissions from 3 submitters: Likely benign (2). 1 of the submissions does not count toward it. Last evaluated 2024-08-27.

Conditions:
DICER1-related disorder. Also called: DICER1-related condition.
DICER1-related tumor predisposition. Also called: DICER1 syndrome; DICER1-related pleuropulmonary blastoma cancer predisposition syndrome. Identifiers: Orphanet 284343, MedGen C3839822, MONDO:0100216.
Hereditary cancer-predisposing syndrome. Also called: Tumor predisposition; Hereditary Cancer Syndrome; Neoplastic Syndromes, Hereditary; Hereditary neoplastic syndrome. Identifiers: Orphanet 140162, MedGen C0027672, MeSH D009386, MONDO:0015356.

Allele frequency attached by ClinVar (database versions not stated): gnomAD exomes below 0.00001.
gnomAD v4.1: 4 of 1,613,390 alleles (0.00025%); highest among the groups gnomAD compares: Non-Finnish European, 0.00025%; no homozygotes.

Submissions (3):

Labcorp Genetics (formerly Invitae), Labcorp
Classification: Likely benign for DICER1-related tumor predisposition. Last evaluated: 2024-08-27. Review status: criteria provided, single submitter. Criteria: Invitae Variant Classification Sherloc (09022015). Collection method: clinical testing. Allele origin: germline.

Ambry Genetics
Classification: Likely benign for Hereditary cancer-predisposing syndrome. Last evaluated: 2019-06-29. Review status: criteria provided, single submitter. Criteria: Ambry Variant Classification Scheme 2023. Collection method: clinical testing. Allele origin: germline.

PreventionGenetics, part of Exact Sciences
Classification: Likely benign for DICER1-related condition. Last evaluated: 2022-08-06. Review status: no assertion criteria provided. Collection method: clinical testing. Allele origin: germline. Not counted in ClinVar's aggregate classification.
Comment: This variant is classified as likely benign based on ACMG/AMP sequence variant interpretation guidelines (Richards et al. 2015 PMID: 25741868, with internal and published modifications).